The following is an entry in ClinVar:

NM_000455.5(STK11):c.1248G>A (p.Lys416=)

Gene: STK11 (serine/threonine kinase 11; plus strand). Cytogenetic location: 19p13.3.
Variant type: single nucleotide variant.
Coding change: c.1248G>A on transcript NM_000455.5 (MANE Select); coding-DNA position 1248, G replaced by A.
Protein change: p.Lys416=; no amino-acid change (lysine 416 retained).
Molecular consequence: synonymous variant. On other transcripts: non-coding transcript variant (1).
Genome position (GRCh38, 1-based): chr19:1,226,593, G>A. VCF-style: chr19-1226593-G-A. GRCh37 (hg19) VCF-style: chr19-1226592-G-A.
Identifiers: ClinVar variation 3646113 (VCV003646113.4).

ClinVar aggregate classification (germline): Benign/Likely benign. Review status: criteria provided, multiple submitters, no conflicts (2 of 4 stars). 3 submissions from 3 submitters: Benign (1); Likely benign (2). Last evaluated 2026-05-08.

Conditions:
Hereditary cancer-predisposing syndrome. Also called: Hereditary neoplastic syndrome; Tumor predisposition; Hereditary Cancer Syndrome; Neoplastic Syndromes, Hereditary. Identifiers: Orphanet 140162, MedGen C0027672, MeSH D009386, MONDO:0015356.
Peutz-Jeghers syndrome (PJS). Also called: POLYPOSIS, HAMARTOMATOUS INTESTINAL; POLYPS-AND-SPOTS SYNDROME; Peutz-Jeghers polyposis; Periorificial lentiginosis syndrome. Identifiers: Orphanet 2869, MedGen C0031269, MeSH D010580, MONDO:0008280, OMIM 175200.

Submissions (3):

Ambry Genetics
Classification: Likely benign for Hereditary cancer-predisposing syndrome. Last evaluated: 2026-05-08. Review status: criteria provided, single submitter. Criteria: Ambry Variant Classification Scheme 2023. Collection method: clinical testing. Allele origin: germline.

Myriad Genetics, Inc.
Classification: Benign for Peutz-Jeghers syndrome. Last evaluated: 2025-03-31. Review status: criteria provided, single submitter. Criteria: Myriad Autosomal Dominant, Autosomal Recessive and X-Linked Classification Criteria (2023). Collection method: clinical testing. Allele origin: unknown.
Comment: This variant is considered benign. This variant is a silent/synonymous amino acid change and it is not expected to impact splicing.

Labcorp Genetics (formerly Invitae), Labcorp
Classification: Likely benign for Peutz-Jeghers syndrome. Last evaluated: 2024-03-15. Review status: criteria provided, single submitter. Criteria: Invitae Variant Classification Sherloc (09022015). Collection method: clinical testing. Allele origin: germline.